The following is an entry in ClinVar:

ClinVar aggregate classification (germline): Uncertain significance. Review status: criteria provided, multiple submitters, no conflicts (2 of 4 stars). 4 submissions from 4 submitters: Uncertain significance (4). Last evaluated 2023-09-27.

Conditions:
Inborn genetic diseases. Identifiers: MedGen C0950123, MeSH D030342.

Allele frequency attached by ClinVar (database versions not stated): gnomAD 0.00002 and 0.00003; gnomAD exomes 0.00002 and 0.00005; ExAC 0.00005; TOPMed 0.00005; ESP Exome Variant Server 0.00008.
gnomAD v4.1: 35 of 1,613,616 alleles (0.0022%); highest among the groups gnomAD compares: Middle Eastern, 0.033%; no homozygotes.

Submissions (4):

Blueprint Genetics
Classification: Uncertain significance. Last evaluated: 2023-09-27. Review status: criteria provided, single submitter. Criteria: ACMG Guidelines, 2015. Collection method: clinical testing. Allele origin: germline.

Ambry Genetics
Classification: Uncertain significance for Inborn genetic diseases. Last evaluated: 2023-09-20. Review status: criteria provided, single submitter. Criteria: Ambry Variant Classification Scheme 2023. Collection method: clinical testing. Allele origin: germline.

Labcorp Genetics (formerly Invitae), Labcorp
Classification: Uncertain significance. Last evaluated: 2022-10-24. Review status: criteria provided, single submitter. Criteria: Invitae Variant Classification Sherloc (09022015). Collection method: clinical testing. Allele origin: germline.
Comment: This sequence change replaces aspartic acid, which is acidic and polar, with histidine, which is basic and polar, at codon 173 of the TULP1 protein (p.Asp173His). This variant is present in population databases (rs377576422, gnomAD 0.007%). This variant has not been reported in the literature in individuals affected with TULP1-related conditions. ClinVar contains an entry for this variant (Variation ID: 1407847). Advanced modeling of protein sequence and biophysical properties (such as structural, functional, and spatial information, amino acid conservation, physicochemical variation, residue mobility, and thermodynamic stability) performed at Invitae indicates that this missense variant is not expected to disrupt TULP1 protein function. In summary, the available evidence is currently insufficient to determine the role of this variant in disease. Therefore, it has been classified as a Variant of Uncertain Significance.

Breakthrough Genomics
Classification: Uncertain significance. Review status: criteria provided, single submitter. Criteria: ACMG Guidelines, 2015. Collection method: not provided. Allele origin: germline. Inheritance: Autosomal recessive inheritance. Affected: yes.

NM_003322.6(TULP1):c.517G>C (p.Asp173His)

Gene: TULP1 (TUB like protein 1; minus strand). Cytogenetic location: 6p21.31.
Variant type: single nucleotide variant.
Coding change: c.517G>C on transcript NM_003322.6 (MANE Select); coding-DNA position 517, G replaced by C.
Protein change: p.Asp173His; replaces aspartic acid 173 with histidine.
Molecular consequence: missense variant.
Genome position (GRCh38, 1-based): chr6:35,509,911, C>G on the plus strand (G>C on the coding strand, the complement: TULP1 is on the minus strand). VCF-style: chr6-35509911-C-G. GRCh37 (hg19) VCF-style: chr6-35477688-C-G.
Other names: c.358G>C, p.Asp120His (NM_001289395.2); c.517G>C (NM_003322.3); short protein forms D120H, D173H.
Identifiers: ClinVar variation 1407847 (VCV001407847.6), dbSNP rs377576422, ClinGen allele CA3772894.